The following is an entry in ClinVar:

NM_001379081.2(FREM1):c.3017C>T (p.Ala1006Val)

Gene: FREM1 (FRAS1 related extracellular matrix 1; minus strand). Cytogenetic location: 9p22.3.
Variant type: single nucleotide variant.
Coding change: c.3017C>T on transcript NM_001379081.2 (MANE Select); coding-DNA position 3017, C replaced by T.
Protein change: p.Ala1006Val; replaces alanine 1006 with valine.
Molecular consequence: missense variant. On other transcripts: non-coding transcript variant (2).
Genome position (GRCh38, 1-based): chr9:14,808,011, G>A on the plus strand (C>T on the coding strand, the complement: FREM1 is on the minus strand). VCF-style: chr9-14808011-G-A. GRCh37 (hg19) VCF-style: chr9-14808009-G-A.
Other names: c.3017C>T, p.Ala1006Val (NM_144966.7); short protein forms A1006V.
Identifiers: ClinVar variation 2057801 (VCV002057801.4), dbSNP rs767135696, ClinGen allele CA4990721.

ClinVar aggregate classification (germline): Uncertain significance (1 of 4 stars; one submission).

Allele frequency attached by ClinVar (database versions not stated): ExAC 0.00002.
gnomAD v4.1: 34 of 1,613,528 alleles (0.0021%); highest among the groups gnomAD compares: East Asian, 0.0067%; no homozygotes.

Submission:

Labcorp Genetics (formerly Invitae), Labcorp
Classification: Uncertain significance. Last evaluated: 2022-04-10. Review status: criteria provided, single submitter. Criteria: Invitae Variant Classification Sherloc (09022015). Collection method: clinical testing. Allele origin: germline.
Comment: In summary, the available evidence is currently insufficient to determine the role of this variant in disease. Therefore, it has been classified as a Variant of Uncertain Significance. Algorithms developed to predict the effect of missense changes on protein structure and function (SIFT, PolyPhen-2, Align-GVGD) all suggest that this variant is likely to be tolerated. This variant has not been reported in the literature in individuals affected with FREM1-related conditions. This variant is present in population databases (rs767135696, gnomAD 0.007%). This sequence change replaces alanine, which is neutral and non-polar, with valine, which is neutral and non-polar, at codon 1006 of the FREM1 protein (p.Ala1006Val).